The following is an entry in ClinVar:

NM_002734.5(PRKAR1A):c.870T>C (p.Asp290=)

Gene: PRKAR1A (protein kinase cAMP-dependent type I regulatory subunit alpha; plus strand). Cytogenetic location: 17q24.2.
Variant type: single nucleotide variant.
Coding change: c.870T>C on transcript NM_002734.5 (MANE Select); coding-DNA position 870, T replaced by C.
Protein change: p.Asp290=; no amino-acid change (aspartic acid 290 retained).
Molecular consequence: synonymous variant.
Genome position (GRCh38, 1-based): chr17:68,528,970, T>C. VCF-style: chr17-68528970-T-C. GRCh37 (hg19) VCF-style: chr17-66525111-T-C.
Other names: c.870T>C, p.Asp290= (NM_001276289.2, NM_001276290.1, NM_001278433.2 and 4 more transcripts).
Identifiers: ClinVar variation 4085781 (VCV004085781.8).

ClinVar aggregate classification (germline): Likely benign (1 of 4 stars; one submission).

Submission:

CeGaT Center for Human Genetics Tuebingen
Classification: Likely benign. Last evaluated: 2025-08-01. Review status: criteria provided, single submitter. Criteria: CeGaT Center For Human Genetics Tuebingen Variant Classification Criteria Version 2. Collection method: clinical testing. Allele origin: germline. Affected: yes. Observed: 1 variant allele.
Comment: PRKAR1A: PM2:Supporting, BP4, BP7